The following is an entry in ClinVar:

NM_002576.5(PAK1):c.514C>T (p.Pro172Ser)

Gene: PAK1 (p21 (RAC1) activated kinase 1; minus strand). Cytogenetic location: 11q13.5.
Variant type: single nucleotide variant.
Coding change: c.514C>T on transcript NM_002576.5 (MANE Select); coding-DNA position 514, C replaced by T.
Protein change: p.Pro172Ser; replaces proline 172 with serine.
Molecular consequence: missense variant. On other transcripts: non-coding transcript variant (2).
Genome position (GRCh38, 1-based): chr11:77,358,981, G>A on the plus strand (C>T on the coding strand, the complement: PAK1 is on the minus strand). VCF-style: chr11-77358981-G-A. GRCh37 (hg19) VCF-style: chr11-77070026-G-A.
Other names: c.514C>T, p.Pro172Ser (NM_001128620.2, NM_001376268.1, NM_001376269.1 and 26 more transcripts); c.535C>T, p.Pro179Ser (NM_001376272.1); c.265C>T, p.Pro89Ser (NM_001376301.1); c.220C>T, p.Pro74Ser (NM_001376302.1, NM_001376304.1, NM_001376305.1); short protein forms P172S, P179S, P74S, P89S.
Identifiers: ClinVar variation 4689296 (VCV004689296.1).

ClinVar aggregate classification (germline): Uncertain significance (1 of 4 stars; one submission).

Submission:

Women's Health and Genetics/Laboratory Corporation of America, LabCorp
Classification: Uncertain significance. Last evaluated: 2026-01-19. Review status: criteria provided, single submitter. Criteria: LabCorp Variant Classification Summary - May 2015. Collection method: clinical testing. Allele origin: germline.
Comment: Variant summary: PAK1 c.514C>T (p.Pro172Ser) results in a non-conservative amino acid change in the encoded protein sequence. Algorithms developed to predict the effect of missense changes on protein structure and function are either unavailable or do not agree on the potential impact of this missense change. The variant was absent in 247970 control chromosomes. The available data on variant occurrences in the general population are insufficient to allow any conclusion about variant significance. To our knowledge, no occurrence of c.514C>T in individuals affected with PAK1-related conditions and no experimental evidence demonstrating its impact on protein function have been reported. No submitters have cited clinical-significance assessments for this variant to ClinVar. Based on the evidence outlined above, the variant was classified as uncertain significance.